The following is an entry in ClinVar:

ClinVar aggregate classification (germline): Conflicting classifications of pathogenicity. Review status: criteria provided, conflicting classifications (1 of 4 stars). 4 submissions from 4 submitters: Uncertain significance (3); Benign (1). Last evaluated 2025-11-12.

Conditions:
Hereditary cancer-predisposing syndrome. Also called: Hereditary neoplastic syndrome; Neoplastic Syndromes, Hereditary; Tumor predisposition; Hereditary Cancer Syndrome. Identifiers: Orphanet 140162, MedGen C0027672, MeSH D009386, MONDO:0015356.
BAP1-related tumor predisposition syndrome (TPDS1). Also called: COMMON Syndrome; Tumor susceptibility linked to germline BAP1 mutations; BAP1 tumor predisposition syndrome; TUMOR PREDISPOSITION SYNDROME 1. Identifiers: Orphanet 289539, MedGen C3280492, MONDO:0013692, OMIM 614327.

Allele frequency attached by ClinVar (database versions not stated): TOPMed below 0.00001; gnomAD 0.00001.

Submissions (4):

Ambry Genetics
Classification: Benign for Hereditary cancer-predisposing syndrome. Last evaluated: 2025-11-12. Review status: criteria provided, single submitter. Criteria: Ambry Variant Classification Scheme 2023. Collection method: clinical testing. Allele origin: germline.

Labcorp Genetics (formerly Invitae), Labcorp
Classification: Uncertain significance for BAP1-related tumor predisposition syndrome. Last evaluated: 2025-10-07. Review status: criteria provided, single submitter. Criteria: Invitae Variant Classification Sherloc (09022015). Collection method: clinical testing. Allele origin: germline.
Comment: This sequence change replaces glutamic acid, which is acidic and polar, with lysine, which is basic and polar, at codon 278 of the BAP1 protein (p.Glu278Lys). This variant is not present in population databases (gnomAD no frequency). This variant has not been reported in the literature in individuals affected with BAP1-related conditions. ClinVar contains an entry for this variant (Variation ID: 1320353). Invitae Evidence Modeling of protein sequence and biophysical properties (such as structural, functional, and spatial information, amino acid conservation, physicochemical variation, residue mobility, and thermodynamic stability) indicates that this missense variant is not expected to disrupt BAP1 protein function with a negative predictive value of 80%. In summary, the available evidence is currently insufficient to determine the role of this variant in disease. Therefore, it has been classified as a Variant of Uncertain Significance.

Color Diagnostics, LLC DBA Color Health
Classification: Uncertain significance for Hereditary cancer-predisposing syndrome. Last evaluated: 2024-10-28. Review status: criteria provided, single submitter. Criteria: ACMG Guidelines, 2015. Collection method: clinical testing. Allele origin: germline.
Comment: This missense variant replaces glutamic acid with lysine at codon 278 of the BAP1 protein. Computational prediction suggests that this variant may not impact protein structure and function (internally defined REVEL score threshold <= 0.5, PMID: 27666373). To our knowledge, functional studies have not been reported for this variant. This variant has not been reported in individuals affected with BAP1-related disorders in the literature. This variant has not been identified in the general population by the Genome Aggregation Database (gnomAD). The available evidence is insufficient to determine the role of this variant in disease conclusively. Therefore, this variant is classified as a Variant of Uncertain Significance.

GeneDx
Classification: Uncertain significance. Last evaluated: 2023-03-03. Review status: criteria provided, single submitter. Criteria: GeneDx Variant Classification Process June 2021. Collection method: clinical testing. Allele origin: germline. Affected: yes.
Comment: Not observed at significant frequency in large population cohorts (gnomAD); In silico analysis, which includes protein predictors and evolutionary conservation, supports that this variant does not alter protein structure/function; Has not been previously published as pathogenic or benign to our knowledge; This variant is associated with the following publications: (PMID: 28444874)

Literature cited by the submitters: PubMed 38969833 (cited by Ambry Genetics).

NM_004656.4(BAP1):c.832G>A (p.Glu278Lys)

Gene: BAP1 (BRCA1 associated deubiquitinase 1; minus strand). Cytogenetic location: 3p21.1.
Variant type: single nucleotide variant.
Coding change: c.832G>A on transcript NM_004656.4 (MANE Select); coding-DNA position 832, G replaced by A.
Protein change: p.Glu278Lys; replaces glutamic acid 278 with lysine.
Molecular consequence: missense variant.
Genome position (GRCh38, 1-based): chr3:52,405,864, C>T on the plus strand (G>A on the coding strand, the complement: BAP1 is on the minus strand). VCF-style: chr3-52405864-C-T. GRCh37 (hg19) VCF-style: chr3-52439880-C-T.
Other names: short protein forms E278K.
Identifiers: ClinVar variation 1320353 (VCV001320353.11), dbSNP rs892726365, ClinGen allele CA74743030.